The following is an entry in ClinVar:

NM_001655.5(ARCN1):c.462del (p.Ala155fs)

Gene: ARCN1 (archain 1 coat protein complex I subunit delta; plus strand). Cytogenetic location: 11q23.3.
Variant type: Deletion.
Coding change: c.462del on transcript NM_001655.5 (MANE Select); coding-DNA position 462, one base deleted (A; older notation c.462delA).
Protein change: p.Ala155fs; shifts the reading frame from alanine 155.
Molecular consequence: frameshift variant. On other transcripts: non-coding transcript variant (2).
Genome position (GRCh38, 1-based): chr11:118,583,823, A deleted; the last of 2 consecutive A bases (chr11:118,583,822-118,583,823); deleting either gives the same sequence. VCF-style (leftmost placement, unchanged base first): chr11-118583821-GA-G. GRCh37 (hg19) VCF-style: chr11-118454536-GA-G.
Other names: c.198del, p.Ala67fs (NM_001142281.2, NM_001425081.1); c.462del, p.Ala155fs (NM_001425073.1, NM_001425077.1, NM_001425078.1); c.459del, p.Ala154fs (NM_001425074.1, NM_001425079.1); c.405del, p.Ala136fs (NM_001425075.1); c.393del, p.Ala132fs (NM_001425076.1); c.18del, p.Ala7fs (NM_001425080.1); short protein forms A132fs, A136fs, A154fs, A155fs, A67fs, A7fs.
Identifiers: ClinVar variation 4531787 (VCV004531787.1).
Genomic context (GRCh38, chr11:118,583,821, plus strand): 5'-CAAAAACCCAAAAAAAAAAGCTACATTAATGTATGTCTTTTTCTGTAGACTCAAGAACGT[GA>G]AGCTAAGGCTGAGATGCGTCGTAAAGCAAAGGAATTACAACAGGCCCGAAGAGATGCAGA-3'

ClinVar aggregate classification (germline): Pathogenic (1 of 4 stars; one submission).

Conditions:
Short stature, rhizomelic, with microcephaly, micrognathia, and developmental delay (SSMG). Also called: SHORT STATURE-MICROGNATHIA SYNDROME. Identifiers: Orphanet 659702, MedGen C4310686, MONDO:0014948, OMIM 617164.

Submission:

Victorian Clinical Genetics Services, Murdoch Childrens Research Institute
Classification: Pathogenic for Short stature, rhizomelic, with microcephaly, micrognathia, and developmental delay. Last evaluated: 2025-03-30. Review status: criteria provided, single submitter. Criteria: ACMG Guidelines, 2015. Collection method: clinical testing. Allele origin: germline. Affected: yes.
Comment: This variant is classified as Pathogenic. Evidence in support of pathogenic classification: Variant is predicted to cause nonsense-mediated decay (NMD) and loss of protein (premature termination codon is located at least 54 nucleotides upstream of the final exon-exon junction); Variant is absent from gnomAD (v2, v3 and v4); Other NMD-predicted variant(s) comparable to the one identified in this case have very strong previous evidence for pathogenicity (DECIPHER); Additional information: This variant is heterozygous; This gene is associated with autosomal dominant disease; This variant has no previous evidence of pathogenicity; No published segregation evidence has been identified for this variant; No published functional evidence has been identified for this variant; Loss of function is a known mechanism of disease in this gene and is associated with short stature-micrognathia syndrome (MIM#617164).